The following is an entry in ClinVar:

NM_005548.3(KARS1):c.874A>G (p.Met292Val)

Gene: KARS1 (lysyl-tRNA synthetase 1; minus strand). Cytogenetic location: 16q23.1.
Variant type: single nucleotide variant.
Coding change: c.874A>G on transcript NM_005548.3 (MANE Select); coding-DNA position 874, A replaced by G.
Protein change: p.Met292Val; replaces methionine 292 with valine.
Molecular consequence: missense variant.
Genome position (GRCh38, 1-based): chr16:75,634,214, T>C on the plus strand (A>G on the coding strand, the complement: KARS1 is on the minus strand). VCF-style: chr16-75634214-T-C. GRCh37 (hg19) VCF-style: chr16-75668112-T-C.
Other names: c.958A>G, p.Met320Val (NM_001130089.2); c.406A>G, p.Met136Val (NM_001378148.1); short protein forms M136V, M292V, M320V.
Identifiers: ClinVar variation 1341665 (VCV001341665.10), dbSNP rs143117090, ClinGen allele CA8177478.

ClinVar aggregate classification (germline): Uncertain significance. Review status: criteria provided, multiple submitters, no conflicts (2 of 4 stars). 3 submissions from 3 submitters: Uncertain significance (3). Last evaluated 2025-05-22.

Allele frequency attached by ClinVar (database versions not stated): ESP Exome Variant Server 0.00023; ExAC 0.00008; gnomAD exomes 0.00004; TOPMed 0.00005; gnomAD 0.00005.
gnomAD v4.1: 79 of 1,613,966 alleles (0.0049%); highest among the groups gnomAD compares: Non-Finnish European, 0.0056%; no homozygotes.

Submissions (3):

GeneDx
Classification: Uncertain significance. Last evaluated: 2025-05-22. Review status: criteria provided, single submitter. Criteria: GeneDx Variant Classification Process June 2021. Collection method: clinical testing. Allele origin: germline. Affected: yes.
Comment: In silico analysis supports that this missense variant has a deleterious effect on protein structure/function; Has not been previously published as pathogenic or benign to our knowledge

Ambry Genetics
Classification: Uncertain significance. Last evaluated: 2025-04-17. Review status: criteria provided, single submitter. Criteria: Ambry Variant Classification Scheme 2023. Collection method: clinical testing. Allele origin: germline.

Labcorp Genetics (formerly Invitae), Labcorp
Classification: Uncertain significance. Last evaluated: 2024-09-09. Review status: criteria provided, single submitter. Criteria: Invitae Variant Classification Sherloc (09022015). Collection method: clinical testing. Allele origin: germline.
Comment: This sequence change replaces methionine, which is neutral and non-polar, with valine, which is neutral and non-polar, at codon 320 of the KARS protein (p.Met320Val). This variant is present in population databases (rs143117090, gnomAD 0.008%). This variant has not been reported in the literature in individuals affected with KARS-related conditions. ClinVar contains an entry for this variant (Variation ID: 1341665). Invitae Evidence Modeling of protein sequence and biophysical properties (such as structural, functional, and spatial information, amino acid conservation, physicochemical variation, residue mobility, and thermodynamic stability) indicates that this missense variant is not expected to disrupt KARS protein function with a negative predictive value of 80%. In summary, the available evidence is currently insufficient to determine the role of this variant in disease. Therefore, it has been classified as a Variant of Uncertain Significance.